The following is an entry in ClinVar:

NM_006227.4(PLTP):c.1259T>C (p.Ile420Thr)

Gene: PLTP (phospholipid transfer protein; minus strand). Cytogenetic location: 20q13.12.
Variant type: single nucleotide variant.
Coding change: c.1259T>C on transcript NM_006227.4 (MANE Select); coding-DNA position 1259, T replaced by C.
Protein change: p.Ile420Thr; replaces isoleucine 420 with threonine.
Molecular consequence: missense variant.
Genome position (GRCh38, 1-based): chr20:45,899,645, A>G on the plus strand (T>C on the coding strand, the complement: PLTP is on the minus strand). VCF-style: chr20-45899645-A-G. GRCh37 (hg19) VCF-style: chr20-44528284-A-G.
Other names: c.974T>C, p.Ile325Thr (NM_001242920.2); c.995T>C, p.Ile332Thr (NM_001242921.1); c.1103T>C, p.Ile368Thr (NM_182676.3); short protein forms I325T, I332T, I368T, I420T.
Identifiers: ClinVar variation 2131050 (VCV002131050.4), dbSNP rs760077699, ClinGen allele CA409255243.
Genomic context (GRCh38, chr20:45,899,645, plus strand): 5'-CCTCCTTTCTTCCTCCATCCTCACACCCCAGCCTTACCATTGAGCATGGGCATCACCCCA[A>G]TCTGCAGCATGGTCTTCAGAGGGGCCTGTAATGGGATCAGCTGGGAGGGGCGAGGGCGGA-3'
Protein context (NP_006218.1, residues 410-430): LQAPLKTMLQ[Ile420Thr]GVMPMLNERT

ClinVar aggregate classification (germline): Uncertain significance (1 of 4 stars; one submission).

gnomAD v4.1: 10 of 1,613,578 alleles (0.00062%); highest among the groups gnomAD compares: Non-Finnish European, 0.00085%; no homozygotes.

Submission:

Labcorp Genetics (formerly Invitae), Labcorp
Classification: Uncertain significance. Last evaluated: 2022-08-23. Review status: criteria provided, single submitter. Criteria: Invitae Variant Classification Sherloc (09022015). Collection method: clinical testing. Allele origin: germline.
Comment: In summary, the available evidence is currently insufficient to determine the role of this variant in disease. Therefore, it has been classified as a Variant of Uncertain Significance. Algorithms developed to predict the effect of missense changes on protein structure and function are either unavailable or do not agree on the potential impact of this missense change (SIFT: "Deleterious"; PolyPhen-2: "Benign"; Align-GVGD: "Class C0"). This variant has not been reported in the literature in individuals affected with PLTP-related conditions. This variant is present in population databases (no rsID available, gnomAD 0.003%). This sequence change replaces isoleucine, which is neutral and non-polar, with threonine, which is neutral and polar, at codon 420 of the PLTP protein (p.Ile420Thr).